The following is an entry in ClinVar:

NM_004415.4(DSP):c.4408G>A (p.Asp1470Asn)

Gene: DSP (desmoplakin; plus strand). Cytogenetic location: 6p24.3.
Variant type: single nucleotide variant.
Coding change: c.4408G>A on transcript NM_004415.4 (MANE Select); coding-DNA position 4408, G replaced by A.
Protein change: p.Asp1470Asn; replaces aspartic acid 1470 with asparagine.
Molecular consequence: missense variant. On other transcripts: intron variant (2).
Genome position (GRCh38, 1-based): chr6:7,580,598, G>A. VCF-style: chr6-7580598-G-A. GRCh37 (hg19) VCF-style: chr6-7580831-G-A.
Other names: c.4050+358G>A (NM_001319034.2); c.3582+826G>A (NM_001008844.3); short protein forms D1470N.
Identifiers: ClinVar variation 3074583 (VCV003074583.1), dbSNP rs1355903558, ClinGen allele CA362686244.

ClinVar aggregate classification (germline): Uncertain significance (1 of 4 stars; one submission).

Conditions:
Arrhythmogenic cardiomyopathy with wooly hair and keratoderma. Also called: PALMOPLANTAR KERATODERMA WITH LEFT VENTRICULAR CARDIOMYOPATHY AND WOOLLY HAIR; Carvajal syndrome; Dilated cardiomyopathy with woolly hair and keratoderma; Arrhythmogenic cardiomyopathy with woolly hair and keratoderma. Identifiers: Orphanet 65282, MedGen C1854063, MONDO:0011581, OMIM 605676.

Submission:

All of Us Research Program, National Institutes of Health
Classification: Uncertain significance for Arrhythmogenic cardiomyopathy with wooly hair and keratoderma. Last evaluated: 2023-11-20. Review status: criteria provided, single submitter. Criteria: ACMG Guidelines, 2015. Collection method: clinical testing. Allele origin: germline. Inheritance: Autosomal dominant inheritance. Observed: 1 variant allele, 1 heterozygote.
Comment: This missense variant replaces aspartic acid with asparagine at codon 1470 of the DSP protein. Computational prediction suggests that this variant may not impact protein structure and function (internally defined REVEL score threshold <= 0.5, PMID: 27666373). To our knowledge, functional studies have not been reported for this variant. This variant has not been reported in individuals affected with DSP-related disorders in the literature. This variant has not been identified in the general population by the Genome Aggregation Database (gnomAD). The available evidence is insufficient to determine the role of this variant in disease conclusively. Therefore, this variant is classified as a Variant of Uncertain Significance.

This study involves interpretation of variants in research participants for the purpose of population health screening. Participant phenotype was not available at the time of variant classification. Additional details can be found in publication PMID: 35346344, PMCID: PMC8962531